The following is an entry in ClinVar:

NM_000069.3(CACNA1S):c.5418C>T (p.Phe1806=)

Gene: CACNA1S (calcium voltage-gated channel subunit alpha1 S; minus strand). Cytogenetic location: 1q32.1.
Variant type: single nucleotide variant.
Coding change: c.5418C>T on transcript NM_000069.3 (MANE Select); coding-DNA position 5418, C replaced by T.
Protein change: p.Phe1806=; no amino-acid change (phenylalanine 1806 retained).
Molecular consequence: synonymous variant.
Genome position (GRCh38, 1-based): chr1:201,040,035, G>A on the plus strand (C>T on the coding strand, the complement: CACNA1S is on the minus strand). VCF-style: chr1-201040035-G-A. GRCh37 (hg19) VCF-style: chr1-201009163-G-A.
Identifiers: ClinVar variation 3072274 (VCV003072274.1), dbSNP rs2464387492, ClinGen allele CA422815175.

ClinVar aggregate classification (germline): Uncertain significance (1 of 4 stars; one submission).

Conditions:
Malignant hyperthermia, susceptibility to, 5 (MHS5). Also called: CACNA1S-Related Malignant Hyperthermia Susceptibility. Identifiers: Orphanet 423, MedGen C1866077, MONDO:0011163, OMIM 601887.

Submission:

All of Us Research Program, National Institutes of Health
Classification: Uncertain significance for Malignant hyperthermia, susceptibility to, 5. Last evaluated: 2023-06-26. Review status: criteria provided, single submitter. Criteria: ACMG Guidelines, 2015. Collection method: clinical testing. Allele origin: germline. Inheritance: Autosomal dominant inheritance. Observed: 1 variant allele, 1 heterozygote.
Comment: This variant is located in the CACNA1S protein. To our knowledge, functional studies have not been reported for this variant. This variant has not been reported in individuals affected with CACNA1S-related disorders in the literature. This variant has not been identified in the general population by the Genome Aggregation Database (gnomAD). The available evidence is insufficient to determine the role of this variant in disease conclusively. Therefore, this variant is classified as a Variant of Uncertain Significance.

This study involves interpretation of variants in research participants for the purpose of population health screening. Participant phenotype was not available at the time of variant classification. Additional details can be found in publication PMID: 35346344, PMCID: PMC8962531